The following is an entry in ClinVar:

ClinVar aggregate classification (germline): Uncertain significance. Review status: criteria provided, multiple submitters, no conflicts (2 of 4 stars). 4 submissions from 4 submitters: Uncertain significance (4). Last evaluated 2026-04-30.

Conditions:
TTN-related disorder. Also called: TTN-related condition; TTN-related disease; TTN-related disorders.
Early-onset myopathy with fatal cardiomyopathy (CMYO5). Also called: Salih Myopathy; CONGENITAL MYOPATHY 5 WITH CARDIOMYOPATHY. Identifiers: Orphanet 289377, MedGen C2673677, MONDO:0012714, OMIM 611705. Disease mechanism: loss of function.
Tibial muscular dystrophy (TMD). Also called: Tibial muscular dystrophy, tardive; UDD MYOPATHY; Udd Distal Myopathy – Tibial Muscular Dystrophy. Identifiers: Orphanet 609, MedGen C1838244, MONDO:0010870, OMIM 600334.
Dilated cardiomyopathy 1G (CMD1G). Identifiers: Orphanet 154, MedGen C1858763, MONDO:0011400, OMIM 604145.
Autosomal recessive limb-girdle muscular dystrophy type 2J (LGMDR10). Also called: Limb-girdle muscular dystrophy, type 2J; MUSCULAR DYSTROPHY, LIMB-GIRDLE, AUTOSOMAL RECESSIVE 10. Identifiers: Orphanet 140922, MedGen C1837342, MONDO:0012127, OMIM 608807.
Hypertrophic cardiomyopathy 9. Also called: Familial hypertrophic cardiomyopathy 9. Identifiers: MedGen C1861065, MONDO:0013412, OMIM 613765.
Myopathy, myofibrillar, 9, with early respiratory failure (MFM9). Also called: EDSTROM MYOPATHY; Myopathy, distal, with early respiratory failure, autosomal dominant; Hereditary myopathy with early respiratory failure; MYOPATHY, PROXIMAL, WITH EARLY RESPIRATORY MUSCLE INVOLVEMENT. Identifiers: Orphanet 178464, Orphanet 34521, MedGen C1863599, MONDO:0011362, OMIM 603689.

Allele frequency attached by ClinVar (database versions not stated): gnomAD 0.00002 and 0.00003; gnomAD exomes 0.00002; TOPMed 0.00003.
gnomAD v4.1: 28 of 1,612,282 alleles (0.0017%); highest among the groups gnomAD compares: East Asian, 0.0022%; no homozygotes.

Submissions (4):

PreventionGenetics, part of Exact Sciences
Classification: Uncertain significance for TTN-related condition. Last evaluated: 2026-04-30. Review status: criteria provided, single submitter. Criteria: ACMG Guidelines, 2015. Collection method: clinical testing. Allele origin: germline.
Comment: The TTN c.34072G>T variant is predicted to result in the amino acid substitution p.Val11358Phe. To our knowledge, this variant has not been reported in the literature or in a large population database (gnomAD), indicating this variant is rare. At this time, the clinical significance of this variant is uncertain due to the absence of conclusive functional and genetic evidence.

Fulgent Genetics
Classification: Uncertain significance for Tibial muscular dystrophy; Myopathy, myofibrillar, 9, with early respiratory failure; Dilated cardiomyopathy 1G; Autosomal recessive limb-girdle muscular dystrophy type 2J; Early-onset myopathy with fatal cardiomyopathy; Hypertrophic cardiomyopathy 9. Last evaluated: 2021-11-02. Review status: criteria provided, single submitter. Criteria: ACMG Guidelines, 2015. Collection method: clinical testing. Allele origin: unknown.

Revvity Omics, Revvity
Classification: Uncertain significance. Last evaluated: 2020-03-05. Review status: criteria provided, single submitter. Criteria: ACMG Guidelines, 2015. Collection method: clinical testing. Allele origin: germline.

Eurofins Ntd Llc (ga)
Classification: Uncertain significance. Last evaluated: 2016-12-30. Review status: criteria provided, single submitter. Criteria: EGL Classification Definitions 2015. Collection method: clinical testing. Allele origin: germline. Observed: 1 variant allele, 1 heterozygote.

NM_001267550.2(TTN):c.34072G>T (p.Val11358Phe)

Gene: TTN (titin; minus strand). Cytogenetic location: 2q31.2.
Variant type: single nucleotide variant.
Coding change: c.34072G>T on transcript NM_001267550.2 (MANE Select); coding-DNA position 34072, G replaced by T.
Protein change: p.Val11358Phe; replaces valine 11358 with phenylalanine.
Molecular consequence: missense variant. On other transcripts: intron variant (3).
Genome position (GRCh38, 1-based): chr2:178,677,840, C>A on the plus strand (G>T on the coding strand, the complement: TTN is on the minus strand). VCF-style: chr2-178677840-C-A. GRCh37 (hg19) VCF-style: chr2-179542567-C-A.
Other names: c.33121G>T, p.Val11041Phe (NM_001256850.1); c.30340G>T, p.Val10114Phe (NM_133378.4); c.13283-35523G>T (NM_003319.4); c.13859-35523G>T (NM_133437.4); c.13658-35523G>T (NM_133432.3); short protein forms V10114F, V11358F, V11041F.
Identifiers: ClinVar variation 499088 (VCV000499088.10), dbSNP rs1227088008, ClinGen allele CA349530390.